The following is an entry in ClinVar:

NM_000038.6(APC):c.5825A>G (p.Asp1942Gly)

Gene: APC (APC regulator of Wnt signaling pathway; plus strand). Cytogenetic location: 5q22.2.
Variant type: single nucleotide variant.
Coding change: c.5825A>G on transcript NM_000038.6 (MANE Select); coding-DNA position 5825, A replaced by G.
Protein change: p.Asp1942Gly; replaces aspartic acid 1942 with glycine.
Molecular consequence: missense variant.
Genome position (GRCh38, 1-based): chr5:112,841,419, A>G. VCF-style: chr5-112841419-A-G. GRCh37 (hg19) VCF-style: chr5-112177116-A-G.
Other names: c.5648A>G, p.Asp1883Gly (NM_001354901.2); c.5552A>G, p.Asp1851Gly (NM_001354902.2); c.5522A>G, p.Asp1841Gly (NM_001354903.2); c.5447A>G, p.Asp1816Gly (NM_001354904.2); c.5345A>G, p.Asp1782Gly (NM_001354905.2); c.4976A>G, p.Asp1659Gly (NM_001354906.2); c.5825A>G, p.Asp1942Gly (NM_001127510.3, NM_001354895.2); c.5771A>G, p.Asp1924Gly (NM_001127511.3); and 5 more; short protein forms D1659G, D1782G, D1816G, D1942G, D1960G, D1841G, D1914G, D1924G.
Identifiers: ClinVar variation 1471264 (VCV001471264.8), dbSNP rs2149950233, ClinGen allele CA16034074.
Genomic context (GRCh38, chr5:112,841,419, plus strand): 5'-AGCCTAAACCCATACTTCAGAAACAATCCACTTTTCCCCAGTCATCCAAAGACATACCAG[A>G]CAGAGGGGCAGCAACTGATGAAAAGTTACAGAATTTTGCTATTGAAAATACTCCGGTTTG-3'
Protein context (NP_000029.2, residues 1932-1952): TFPQSSKDIP[Asp1942Gly]RGAATDEKLQ

ClinVar aggregate classification (germline): Uncertain significance (1 of 4 stars; one submission).

Conditions:
Familial adenomatous polyposis 1 (FAP1). Also called: FAMILIAL ADENOMATOUS POLYPOSIS 1, ATTENUATED; POLYPOSIS, ADENOMATOUS INTESTINAL. Identifiers: MedGen C2713442, MONDO:0021056, OMIM 175100. Disease mechanism: loss of function.

Submission:

Labcorp Genetics (formerly Invitae), Labcorp
Classification: Uncertain significance for Familial adenomatous polyposis 1. Last evaluated: 2020-12-04. Review status: criteria provided, single submitter. Criteria: Invitae Variant Classification Sherloc (09022015). Collection method: clinical testing. Allele origin: germline.
Comment: In summary, the available evidence is currently insufficient to determine the role of this variant in disease. Therefore, it has been classified as a Variant of Uncertain Significance. Algorithms developed to predict the effect of missense changes on protein structure and function (SIFT, PolyPhen-2, Align-GVGD) all suggest that this variant is likely to be tolerated, but these predictions have not been confirmed by published functional studies and their clinical significance is uncertain. This variant has not been reported in the literature in individuals with APC-related conditions. This variant is not present in population databases (ExAC no frequency). This sequence change replaces aspartic acid with glycine at codon 1942 of the APC protein (p.Asp1942Gly). The aspartic acid residue is highly conserved and there is a moderate physicochemical difference between aspartic acid and glycine.